The following is an entry in ClinVar:

NM_000057.4(BLM):c.465T>C (p.Asp155=)

Gene: BLM (BLM RecQ like helicase; plus strand). Cytogenetic location: 15q26.1.
Variant type: single nucleotide variant.
Coding change: c.465T>C on transcript NM_000057.4 (MANE Select); coding-DNA position 465, T replaced by C.
Protein change: p.Asp155=; no amino-acid change (aspartic acid 155 retained).
Molecular consequence: synonymous variant. On other transcripts: 5 prime UTR variant (1).
Genome position (GRCh38, 1-based): chr15:90,749,733, T>C. VCF-style: chr15-90749733-T-C. GRCh37 (hg19) VCF-style: chr15-91292963-T-C.
Other names: p.D155D:GAT>GAC; c.465T>C (LRG_20t1); c.465T>C, p.Asp155= (NM_001287246.2, NM_001287247.2); c.-827T>C (NM_001287248.2).
Identifiers: ClinVar variation 136508 (VCV000136508.49), dbSNP rs185349681, ClinGen allele CA289686.
Genomic context (GRCh38, chr15:90,749,733, plus strand): 5'-TCTCAAGAAATTAGAATTTAGTTCTTCACCAGATTCTTTAAGTACCATCAATGATTGGGA[T>C]GATATGGATGACTTTGATACTTCTGAGACTTCAAAATCATTTGTTACACCACCCCAAAGT-3'
Protein context (NP_000048.1, residues 145-165): PDSLSTINDW[Asp155=]DMDDFDTSET

ClinVar aggregate classification (germline): Benign/Likely benign. Review status: criteria provided, multiple submitters, no conflicts (2 of 4 stars). 14 submissions from 14 submitters: Benign (2); Likely benign (9). 3 of the submissions do not count toward it. Last evaluated 2026-01-26.

Conditions:
Hereditary cancer-predisposing syndrome. Also called: Tumor predisposition; Hereditary neoplastic syndrome; Hereditary Cancer Syndrome; Neoplastic Syndromes, Hereditary. Identifiers: Orphanet 140162, MedGen C0027672, MeSH D009386, MONDO:0015356.
Bloom syndrome (BLM). Also called: Bloom-Torre-Machacek syndrome. Identifiers: Orphanet 125, MedGen C0005859, MONDO:0008876, OMIM 210900.

Allele frequency attached by ClinVar (database versions not stated): ESP Exome Variant Server 0.00023; ExAC 0.00031; gnomAD exomes 0.00032 and 0.00083; TOPMed 0.00037; 1000 Genomes Project 30x 0.00047; gnomAD 0.00050 and 0.00051; 1000 Genomes Project 0.00060.
gnomAD v4.1: 1,273 of 1,614,178 alleles (0.079%); highest among the groups gnomAD compares: Non-Finnish European, 0.1%; no homozygotes.

Submissions (14):

Labcorp Genetics (formerly Invitae), Labcorp
Classification: Benign for Bloom syndrome. Last evaluated: 2026-01-26. Review status: criteria provided, single submitter. Criteria: Invitae Variant Classification Sherloc (09022015). Collection method: clinical testing. Allele origin: germline.

Women's Health and Genetics/Laboratory Corporation of America, LabCorp
Classification: Likely benign. Last evaluated: 2025-09-01. Review status: criteria provided, single submitter. Criteria: LabCorp Variant Classification Summary - May 2015. Collection method: clinical testing. Allele origin: germline.

CeGaT Center for Human Genetics Tuebingen
Classification: Likely benign. Last evaluated: 2025-03-01. Review status: criteria provided, single submitter. Criteria: CeGaT Center For Human Genetics Tuebingen Variant Classification Criteria Version 2. Collection method: clinical testing. Allele origin: germline. Affected: yes. Observed: 4 variant alleles.
Comment: BLM: BP4, BP7

Blueprint Genetics
Classification: Likely benign. Last evaluated: 2024-11-12. Review status: criteria provided, single submitter. Criteria: ACMG Guidelines, 2015. Collection method: clinical testing. Allele origin: germline.

ARUP Laboratories, Molecular Genetics and Genomics, ARUP Laboratories
Classification: Likely benign for Bloom syndrome. Last evaluated: 2024-10-10. Review status: criteria provided, single submitter. Criteria: ARUP Molecular Germline Variant Investigation Process 2024. Collection method: clinical testing. Allele origin: germline.

Quest Diagnostics Nichols Institute San Juan Capistrano
Classification: Likely benign. Last evaluated: 2022-04-11. Review status: criteria provided, single submitter. Criteria: Quest Diagnostics criteria. Collection method: clinical testing. Allele origin: unknown.

Genetic Services Laboratory, University of Chicago
Classification: Likely benign. Last evaluated: 2021-10-19. Review status: criteria provided, single submitter. Criteria: ACMG Guidelines, 2015. Collection method: clinical testing. Allele origin: germline. Affected: no.

Sema4
Classification: Likely benign for Hereditary cancer-predisposing syndrome. Last evaluated: 2021-05-08. Review status: criteria provided, single submitter. Criteria: Sema4 Curation Guidelines. Collection method: curation. Allele origin: germline.

Ambry Genetics
Classification: Likely benign for Hereditary cancer-predisposing syndrome. Last evaluated: 2016-08-17. Review status: criteria provided, single submitter. Criteria: Ambry Variant Classification Scheme 2023. Collection method: clinical testing. Allele origin: germline.

GeneDx
Classification: Benign. Last evaluated: 2014-01-24. Review status: criteria provided, single submitter. Criteria: GeneDx Variant Classification (06012015). Collection method: clinical testing. Allele origin: germline. Affected: yes.
Comment: This variant is considered likely benign or benign based on one or more of the following criteria: it is a conservative change, it occurs at a poorly conserved position in the protein, it is predicted to be benign by multiple in silico algorithms, and/or has population frequency not consistent with disease.

Breakthrough Genomics
Classification: Likely benign. Review status: criteria provided, single submitter. Criteria: ACMG Guidelines, 2015. Collection method: not provided. Allele origin: germline. Inheritance: Autosomal recessive inheritance. Affected: yes.

Natera, Inc.
Classification: Likely benign for Bloom syndrome. Last evaluated: 2020-05-13. Review status: no assertion criteria provided. Collection method: clinical testing. Allele origin: germline. Not counted in ClinVar's aggregate classification.

Clinical Genetics DNA and cytogenetics Diagnostics Lab, Erasmus MC, Erasmus Medical Center
Classification: Likely benign. Review status: no assertion criteria provided. Collection method: clinical testing. Allele origin: germline. Affected: yes. Study: VKGL Data-share Consensus. Not counted in ClinVar's aggregate classification.

Genome Diagnostics Laboratory, University Medical Center Utrecht
Classification: Likely benign. Review status: no assertion criteria provided. Collection method: clinical testing. Allele origin: germline. Affected: yes. Study: VKGL Data-share Consensus. Not counted in ClinVar's aggregate classification.

Literature cited by the submitters: PubMed 23028338 (cited by Quest Diagnostics Nichols Institute San Juan Capistrano).